The following is an entry in ClinVar:

ClinVar aggregate classification (germline): Likely benign. Review status: criteria provided, multiple submitters, no conflicts (2 of 4 stars). 4 submissions from 4 submitters: Likely benign (4). Last evaluated 2026-01-26.

Conditions:
ZNF469-related disorder. Also called: ZNF469-related condition.
Cardiovascular phenotype. Identifiers: MedGen CN230736.

Allele frequency attached by ClinVar (database versions not stated): gnomAD exomes 0.00004 and 0.00019; 1000 Genomes Project 30x 0.00016; ExAC 0.00019; TOPMed 0.00019; 1000 Genomes Project 0.00020.
gnomAD v4.1: 79 of 1,550,214 alleles (0.0051%); highest among the groups gnomAD compares: East Asian, 0.11%; no homozygotes.

Submissions (4):

Labcorp Genetics (formerly Invitae), Labcorp
Classification: Likely benign. Last evaluated: 2026-01-26. Review status: criteria provided, single submitter. Criteria: Invitae Variant Classification Sherloc (09022015). Collection method: clinical testing. Allele origin: germline.

Women's Health and Genetics/Laboratory Corporation of America, LabCorp
Classification: Likely benign. Last evaluated: 2025-09-22. Review status: criteria provided, single submitter. Criteria: LabCorp Variant Classification Summary - May 2015. Collection method: clinical testing. Allele origin: germline.
Comment: Variant summary: ZNF469 c.9214G>A (p.Gly3072Ser) results in a non-conservative amino acid change in the encoded protein sequence. Algorithms developed to predict the effect of missense changes on protein structure and function are either unavailable or do not agree on the potential impact of this missense change. The variant allele was found at a frequency of 0.00019 in 151286 control chromosomes, predominantly at a frequency of 0.0021 within the East Asian subpopulation in the gnomAD database. The observed variant frequency within East Asian control individuals in the gnomAD database exceeds the estimated maximal expected allele frequency for disease-causing variants in ZNF469. To our knowledge, no occurrence of c.9214G>A in individuals affected with ZNF469-related conditions and no experimental evidence demonstrating its impact on protein function have been reported. ClinVar contains an entry for this variant (Variation ID: 1343539). Based on the evidence outlined above, the variant was classified as likely benign.

PreventionGenetics, part of Exact Sciences
Classification: Likely benign for ZNF469-related condition. Last evaluated: 2025-01-07. Review status: criteria provided, single submitter. Criteria: ACMG Guidelines, 2015. Collection method: clinical testing. Allele origin: germline.
Comment: This variant is classified as likely benign based on ACMG/AMP sequence variant interpretation guidelines (Richards et al. 2015 PMID: 25741868, with internal and published modifications).

Ambry Genetics
Classification: Likely benign for Cardiovascular phenotype. Last evaluated: 2021-08-30. Review status: criteria provided, single submitter. Criteria: Ambry Variant Classification Scheme 2023. Collection method: clinical testing. Allele origin: germline.

NM_001367624.2(ZNF469):c.9214G>A (p.Gly3072Ser)

Gene: ZNF469 (zinc finger protein 469; plus strand). Cytogenetic location: 16q24.2.
Variant type: single nucleotide variant.
Coding change: c.9214G>A on transcript NM_001367624.2 (MANE Select); coding-DNA position 9214, G replaced by A.
Protein change: p.Gly3072Ser; replaces glycine 3072 with serine.
Molecular consequence: missense variant.
Genome position (GRCh38, 1-based): chr16:88,436,684, G>A. VCF-style: chr16-88436684-G-A. GRCh37 (hg19) VCF-style: chr16-88503092-G-A.
Other names: NM_001127464.1:c.9130G>A; NM_001127464.2:c.9130G>A; short protein forms G3072S.
Identifiers: ClinVar variation 1343539 (VCV001343539.10), dbSNP rs557364171, ClinGen allele CA8225415.